The following is an entry in ClinVar:

NM_000038.6(APC):c.5152_5155dup (p.Glu1719fs)

Gene: APC (APC regulator of Wnt signaling pathway; plus strand). Cytogenetic location: 5q22.2.
Variant type: Duplication.
Coding change: c.5152_5155dup on transcript NM_000038.6 (MANE Select); coding-DNA positions 5152 to 5155, 4 bases duplicated (GCAG; older notation c.5152_5155dupGCAG).
Protein change: p.Glu1719fs; shifts the reading frame from glutamic acid 1719.
Molecular consequence: frameshift variant.
Genome position (GRCh38, 1-based): chr5:112,840,746-112,840,749, GCAG duplicated. VCF-style (leftmost placement, unchanged base first): chr5-112840745-A-AGCAG. GRCh37 (hg19) VCF-style: chr5-112176442-A-AGCAG.
Other names: c.5152_5155dup, p.Glu1719fs (NM_001127510.3, NM_001354895.2); c.5098_5101dup, p.Glu1701fs (NM_001127511.3); c.5206_5209dup, p.Glu1737fs (NM_001354896.2); c.5182_5185dup, p.Glu1729fs (NM_001354897.2); c.5077_5080dup, p.Glu1694fs (NM_001354898.2); c.5068_5071dup, p.Glu1691fs (NM_001354899.2); c.5029_5032dup, p.Glu1678fs (NM_001354900.2); c.4975_4978dup, p.Glu1660fs (NM_001354901.2); and 16 more; short protein forms E1628fs, E1593fs, E1694fs, E1618fs, E1660fs, E1678fs, E1691fs, E1701fs.
Identifiers: ClinVar variation 1745677 (VCV001745677.2), dbSNP rs2533624889, ClinGen allele CA2580072620.

ClinVar aggregate classification (germline): Pathogenic (1 of 4 stars; one submission).

Conditions:
Hereditary cancer-predisposing syndrome. Also called: Hereditary Cancer Syndrome; Neoplastic Syndromes, Hereditary; Tumor predisposition; Hereditary neoplastic syndrome. Identifiers: Orphanet 140162, MedGen C0027672, MeSH D009386, MONDO:0015356.

Submission:

Ambry Genetics
Classification: Pathogenic for Hereditary cancer-predisposing syndrome. Last evaluated: 2015-10-05. Review status: criteria provided, single submitter. Criteria: Ambry Variant Classification Scheme 2023. Collection method: clinical testing. Allele origin: germline.
Comment: The c.5152_5155dupGCAG pathogenic mutation, located in coding exon 15 of the APC gene, results from a duplication of GCAG at nucleotide position 5152, causing a translational frameshift with a predicted alternate stop codon. This alteration occurs in the last coding exon of the APC gene, so while it is truncating, the mRNA may escape nonsense mediated decay (NMD). Premature termination codons located either in the last exon or within 50-55 nucleotides upstream of the 3'-most exon-exon junction usually fail to elicit NMD (Maquat LE et al. Nat. Rev. Mol. Cell Biol. 2004 Feb; 5(2):89-99). Since frameshifts are typically deleterious in nature, this alteration is interpreted as a disease-causing mutation (ACMG Recommendations for Standards for Interpretation and Reporting of Sequence Variations. Revision 2007. Genet Med. 2008;10:294).